The following is an entry in ClinVar:

NM_020320.5(RARS2):c.830_831del (p.Gln277fs)

Gene: RARS2 (arginyl-tRNA synthetase 2, mitochondrial; minus strand). Cytogenetic location: 6q15.
Variant type: Deletion.
Coding change: c.830_831del on transcript NM_020320.5 (MANE Select); coding-DNA positions 830 to 831, 2 bases deleted (AA; older notation c.830_831delAA).
Protein change: p.Gln277fs; shifts the reading frame from glutamine 277.
Molecular consequence: frameshift variant. On other transcripts: non-coding transcript variant (23).
Genome position (GRCh38, 1-based): chr6:87,529,589-87,529,590, TT deleted on the plus strand (AA on the coding strand, the reverse complement: RARS2 is on the minus strand). VCF-style (leftmost placement, unchanged base first): chr6-87529588-CTT-C. GRCh37 (hg19) VCF-style: chr6-88239306-CTT-C.
Other names: c.305_306del, p.Gln102fs (NM_001318785.2, NM_001350506.2, NM_001350507.2 and 4 more transcripts); c.830_831del, p.Gln277fs (NM_001350505.2); short protein forms Q102fs, Q277fs.
Identifiers: ClinVar variation 1963453 (VCV001963453.6), dbSNP rs1313558579, ClinGen allele CA829280826.

ClinVar aggregate classification (germline): Pathogenic/Likely pathogenic. Review status: criteria provided, multiple submitters, no conflicts (2 of 4 stars). 2 submissions from 2 submitters: Pathogenic (1); Likely pathogenic (1). Last evaluated 2023-11-02.

Conditions:
Pontocerebellar hypoplasia type 6 (PCH6). Identifiers: Orphanet 166073, MedGen C1969084, MONDO:0012683, OMIM 611523.

Allele frequency attached by ClinVar (database versions not stated): gnomAD exomes below 0.00001; TOPMed below 0.00001.

Submissions (2):

Baylor Genetics
Classification: Likely pathogenic for Pontocerebellar hypoplasia type 6. Last evaluated: 2023-11-02. Review status: criteria provided, single submitter. Criteria: ACMG Guidelines, 2015. Collection method: clinical testing. Allele origin: unknown.

Labcorp Genetics (formerly Invitae), Labcorp
Classification: Pathogenic. Last evaluated: 2022-01-04. Review status: criteria provided, single submitter. Criteria: Invitae Variant Classification Sherloc (09022015). Collection method: clinical testing. Allele origin: germline.
Comment: This variant has not been reported in the literature in individuals affected with RARS2-related conditions. This sequence change creates a premature translational stop signal (p.Gln277Argfs*9) in the RARS2 gene. It is expected to result in an absent or disrupted protein product. Loss-of-function variants in RARS2 are known to be pathogenic (PMID: 17847012, 22569581, 26083569). This variant is not present in population databases (gnomAD no frequency). For these reasons, this variant has been classified as Pathogenic.

Literature cited by the submitters: PubMed 17847012 (cited by Labcorp Genetics (formerly Invitae), Labcorp); PubMed 22569581 (cited by Labcorp Genetics (formerly Invitae), Labcorp); PubMed 26083569 (cited by Labcorp Genetics (formerly Invitae), Labcorp).